The following is an entry in ClinVar:

NM_001042492.3(NF1):c.1722-20T>G

Gene: NF1 (neurofibromin 1; plus strand). Cytogenetic location: 17q11.2.
Variant type: single nucleotide variant.
Coding change: c.1722-20T>G on transcript NM_001042492.3 (MANE Select); 20 bases into the intron before coding-DNA position 1722, T replaced by G.
Molecular consequence: intron variant.
Genome position (GRCh38, 1-based): chr17:31,223,424, T>G. VCF-style: chr17-31223424-T-G. GRCh37 (hg19) VCF-style: chr17-29550442-T-G.
Other names: c.1722-20T>G (NM_000267.4).
Identifiers: ClinVar variation 3383157 (VCV003383157.2).

ClinVar aggregate classification (germline): Uncertain significance (1 of 4 stars; one submission).

Conditions:
Neurofibromatosis, familial spinal (FSNF). Identifiers: Orphanet 636, MedGen C1834235, MONDO:0008078, OMIM 162210. Disease mechanism: loss of function.
Neurofibromatosis-Noonan syndrome (NFNS). Also called: NEUROFIBROMATOSIS WITH NOONAN PHENOTYPE. Identifiers: Orphanet 638, MedGen C2931482, MONDO:0011035, OMIM 601321. Disease mechanism: loss of function.
Neurofibromatosis, type 1 (NF1). Also called: Neurofibromatosis, type I; VON RECKLINGHAUSEN DISEASE; NEUROFIBROMATOSIS, TYPE I, SOMATIC; Peripheral type neurofibromatosis. Identifiers: Orphanet 636, MedGen C0027831, MONDO:0018975, OMIM 162200. Disease mechanism: loss of function.
Café-au-lait macules with pulmonary stenosis (WTSN). Also called: PULMONIC STENOSIS WITH CAFE-AU-LAIT SPOTS. Identifiers: MedGen C0553586, MONDO:0008672, OMIM 193520.
Juvenile myelomonocytic leukemia (JMML). Also called: LEUKEMIA, JUVENILE MYELOMONOCYTIC, SOMATIC. Identifiers: Orphanet 86834, MedGen C0349639, MONDO:0011908, OMIM 607785, HP:0012209.

Submission:

Juno Genomics, Hangzhou Juno Genomics, Inc
Classification: Uncertain significance for Juvenile myelomonocytic leukemia; Neurofibromatosis, familial spinal; Neurofibromatosis, type 1; Neurofibromatosis-Noonan syndrome; Café-au-lait macules with pulmonary stenosis. Review status: criteria provided, single submitter. Criteria: ACMG Guidelines, 2015. Collection method: clinical testing. Allele origin: germline. Affected: yes.
Comment: Absent from controls (or at extremely low frequency if recessive) in Genome Aggregation Database, Exome Sequencing Project, 1000 Genomes Project, or Exome Aggregation Consortium.;Multiple lines of computational evidence support a deleterious effect on the gene or gene product (conservation, evolutionary, splicing impact, etc).;Patient's phenotype or family history is highly specific for a disease with a single genetic etiology.